The following is an entry in ClinVar:

ClinVar aggregate classification (germline): Uncertain significance (1 of 4 stars; one submission).

Conditions:
Neurodevelopmental disorder with or without variable brain abnormalities; NEDBA. Also called: NEURODEVELOPMENTAL DISORDER WITH OR WITHOUT VARIABLE BRAIN ABNORMALITIES. Identifiers: MedGen C5193102, MONDO:0032755, OMIM 618443.

Submission:

Juno Genomics, Hangzhou Juno Genomics, Inc
Classification: Uncertain significance for Neurodevelopmental disorder with or without variable brain abnormalities; NEDBA. Review status: criteria provided, single submitter. Criteria: ACMG Guidelines, 2015. Collection method: clinical testing. Allele origin: germline.
Comment: Absent from controls (or at extremely low frequency if recessive) in Genome Aggregation Database.

NM_001318852.2(MAPK8IP3):c.282C>A (p.Tyr94Ter)

Genes: MAPK8IP3 (mitogen-activated protein kinase 8 interacting protein 3; plus strand), LOC130058173 (ATAC-STARR-seq lymphoblastoid silent region 6998; plus strand). Cytogenetic location: 16p13.3.
Variant type: single nucleotide variant.
Coding change: c.282C>A on transcript NM_001318852.2 (MANE Select); coding-DNA position 282, C replaced by A.
Protein change: p.Tyr94Ter; replaces tyrosine 94 with a stop codon.
Molecular consequence: nonsense.
Genome position (GRCh38, 1-based): chr16:1,706,621, C>A. VCF-style: chr16-1706621-C-A. GRCh37 (hg19) VCF-style: chr16-1756622-C-A.
Other names: c.282C>A, p.Tyr94Ter (NM_001040439.2, NM_015133.5); short protein forms Y94*.
Identifiers: ClinVar variation 5005511 (VCV005005511.2).
Genomic context (GRCh38, chr16:1,706,621, plus strand): 5'-GGAGCACGAGGTGGAGCTGGAGCTGCTGCGCGAGGACAACGAGCAGCTGCTCACCCAGTA[C>A]GAGCGTGAGAAGGCGCTGCGCAGGCAGGCGGAGGAGGTGCGTGGGCCGCGGGACCCGCCC-3'